The following is an entry in ClinVar:

ClinVar aggregate classification (germline): Benign/Likely benign. Review status: criteria provided, multiple submitters, no conflicts (2 of 4 stars). 3 submissions from 3 submitters: Benign (1); Likely benign (1). 1 of the submissions does not count toward it. Last evaluated 2025-01-20.

Conditions:
Systemic lupus erythematosus (SLE). Identifiers: Orphanet 536, MedGen C0024141, MONDO:0007915, OMIM 152700, HP:0002725.

Allele frequency attached by ClinVar (database versions not stated): gnomAD 0.01964 and 0.02101; gnomAD exomes 0.00736; ESP Exome Variant Server 0.02324; 1000 Genomes Project 30x 0.02389; ExAC 0.00915; 1000 Genomes Project 0.02177; TOPMed 0.02336.
gnomAD v4.1: 8,540 of 1,613,252 alleles (0.53%); highest among the groups gnomAD compares: African/African-American, 6%; 168 homozygotes.

Submissions (3):

Mayo Clinic Laboratories, Mayo Clinic
Classification: Likely benign. Last evaluated: 2025-01-20. Review status: criteria provided, single submitter. Criteria: ACMG Guidelines, 2015. Collection method: clinical testing. Allele origin: germline. Observed: 10 variant alleles.
Comment: BA1, BS2

Breakthrough Genomics
Classification: Benign. Review status: criteria provided, single submitter. Criteria: ACMG Guidelines, 2015. Collection method: not provided. Allele origin: germline. Inheritance: Autosomal dominant inheritance. Affected: yes.

UOSD Laboratory of Genetics & Genomics of Rare Diseases, Istituto Giannina Gaslini
Classification: Benign for Systemic lupus erythematosus. Last evaluated: 2020-05-21. Review status: no assertion criteria provided. Collection method: clinical testing. Allele origin: germline. Affected: yes. Observed: 1 variant allele. Not counted in ClinVar's aggregate classification.

Literature cited by the submitters: PubMed 20417303 (cited by Mayo Clinic Laboratories, Mayo Clinic); PubMed 24206041 (cited by Mayo Clinic Laboratories, Mayo Clinic); PubMed 30707351 (cited by Mayo Clinic Laboratories, Mayo Clinic); PubMed 31541133 (cited by Mayo Clinic Laboratories, Mayo Clinic).

NM_005223.4(DNASE1):c.379G>A (p.Gly127Arg)

Gene: DNASE1 (deoxyribonuclease 1; plus strand). Cytogenetic location: 16p13.3.
Variant type: single nucleotide variant.
Coding change: c.379G>A on transcript NM_005223.4 (MANE Select); coding-DNA position 379, G replaced by A.
Protein change: p.Gly127Arg; replaces glycine 127 with arginine.
Molecular consequence: missense variant. On other transcripts: non-coding transcript variant (2).
Genome position (GRCh38, 1-based): chr16:3,656,696, G>A. VCF-style: chr16-3656696-G-A. GRCh37 (hg19) VCF-style: chr16-3706697-G-A.
Other names: p.Gly127Arg; c.379G>A, p.Gly127Arg (NM_001351825.2, NM_001387135.1, NM_001387139.1 and 1 more transcripts); c.172G>A, p.Gly58Arg (NM_001387141.1); short protein forms G127R, G58R.
Identifiers: ClinVar variation 973637 (VCV000973637.3), dbSNP rs8176919, ClinGen allele CA7867231.